The following is an entry in ClinVar:

ClinVar aggregate classification (germline): Pathogenic (1 of 4 stars; one submission).

Conditions:
Dilated cardiomyopathy 1DD (CMD1DD). Identifiers: Orphanet 154, MedGen C2750995, MONDO:0013168, OMIM 613172.

Submission:

Labcorp Genetics (formerly Invitae), Labcorp
Classification: Pathogenic for Dilated cardiomyopathy 1DD. Last evaluated: 2025-12-08. Review status: criteria provided, single submitter. Criteria: Invitae Variant Classification Sherloc (09022015). Collection method: clinical testing. Allele origin: germline.
Comment: This sequence change creates a premature translational stop signal (p.Ala468Leufs*84) in the RBM20 gene. It is expected to result in an absent or disrupted protein product. Loss-of-function variants in RBM20 are known to be pathogenic (PMID: 20590677, 22004663, 38288598, 38510713, 40339755). This variant is not present in population databases (gnomAD no frequency). This variant has not been reported in the literature in individuals affected with RBM20-related conditions. ClinVar contains an entry for this variant (Variation ID: 2859153). For these reasons, this variant has been classified as Pathogenic.

Literature cited by the submitters: PubMed 20590677; PubMed 22004663; PubMed 38288598; PubMed 38510713; PubMed 40339755.

NM_001134363.3(RBM20):c.1401del (p.Ala468fs)

Gene: RBM20 (RNA binding motif protein 20; plus strand). Cytogenetic location: 10q25.2.
Variant type: Deletion.
Coding change: c.1401del on transcript NM_001134363.3 (MANE Select); coding-DNA position 1401, one base deleted (A; older notation c.1401delA).
Protein change: p.Ala468fs; shifts the reading frame from alanine 468.
Molecular consequence: frameshift variant.
Genome position (GRCh38, 1-based): chr10:110,784,404, A deleted. VCF-style (leftmost placement, unchanged base first): chr10-110784403-CA-C. GRCh37 (hg19) VCF-style: chr10-112544161-CA-C.
Other names: short protein forms A468fs.
Identifiers: ClinVar variation 2859153 (VCV002859153.3), dbSNP rs2493421291, ClinGen allele CA2739276014.